The following is an entry in ClinVar:

NM_001690.4(ATP6V1A):c.590A>G (p.Glu197Gly)

Gene: ATP6V1A (ATPase H+ transporting V1 subunit A; plus strand). Cytogenetic location: 3q13.31.
Variant type: single nucleotide variant.
Coding change: c.590A>G on transcript NM_001690.4 (MANE Select); coding-DNA position 590, A replaced by G.
Protein change: p.Glu197Gly; replaces glutamic acid 197 with glycine.
Molecular consequence: missense variant.
Genome position (GRCh38, 1-based): chr3:113,786,257, A>G. VCF-style: chr3-113786257-A-G. GRCh37 (hg19) VCF-style: chr3-113505104-A-G.
Other names: short protein forms E197G.
Identifiers: ClinVar variation 1696206 (VCV001696206.3), dbSNP rs747456726, ClinGen allele CA2547880.

ClinVar aggregate classification (germline): Uncertain significance. Review status: criteria provided, multiple submitters, no conflicts (2 of 4 stars). 2 submissions from 2 submitters: Uncertain significance (2). Last evaluated 2024-11-30.

Allele frequency attached by ClinVar (database versions not stated): TOPMed below 0.00001; ExAC 0.00001; gnomAD exomes 0.00001 and 0.00002.
gnomAD v4.1: 12 of 1,607,486 alleles (0.00075%); highest among the groups gnomAD compares: Non-Finnish European, 0.00094%; no homozygotes.

Submissions (2):

Labcorp Genetics (formerly Invitae), Labcorp
Classification: Uncertain significance. Last evaluated: 2024-11-30. Review status: criteria provided, single submitter. Criteria: Invitae Variant Classification Sherloc (09022015). Collection method: clinical testing. Allele origin: germline.
Comment: This sequence change replaces glutamic acid, which is acidic and polar, with glycine, which is neutral and non-polar, at codon 197 of the ATP6V1A protein (p.Glu197Gly). This variant is present in population databases (rs747456726, gnomAD 0.004%). This variant has not been reported in the literature in individuals affected with ATP6V1A-related conditions. ClinVar contains an entry for this variant (Variation ID: 1696206). Invitae Evidence Modeling of protein sequence and biophysical properties (such as structural, functional, and spatial information, amino acid conservation, physicochemical variation, residue mobility, and thermodynamic stability) indicates that this missense variant is not expected to disrupt ATP6V1A protein function with a negative predictive value of 80%. In summary, the available evidence is currently insufficient to determine the role of this variant in disease. Therefore, it has been classified as a Variant of Uncertain Significance.

Women's Health and Genetics/Laboratory Corporation of America, LabCorp
Classification: Uncertain significance. Last evaluated: 2022-05-02. Review status: criteria provided, single submitter. Criteria: LabCorp Variant Classification Summary - May 2015. Collection method: clinical testing. Allele origin: germline.
Comment: Variant summary: ATP6V1A c.590A>G (p.Glu197Gly) results in a non-conservative amino acid change located in the ATPsynthase alpha/beta subunit, N-terminal extension domain (IPR031686) of the encoded protein sequence. Three of five in-silico tools predict a benign effect of the variant on protein function. The variant allele was found at a frequency of 1.6e-05 in 247378 control chromosomes (gnomAD). The available data on variant occurrences in the general population are insufficient to allow any conclusion about variant significance. To our knowledge, no occurrence of c.590A>G in individuals affected with Epileptic Encephalopathy, Infantile Or Early Childhood 3 and no experimental evidence demonstrating its impact on protein function have been reported. No clinical diagnostic laboratories have submitted clinical-significance assessments for this variant to ClinVar after 2014. Based on the evidence outlined above, the variant was classified as uncertain significance.